The following is an entry in ClinVar:

ClinVar aggregate classification (germline): Pathogenic (1 of 4 stars; one submission).

Conditions:
Alagille syndrome due to a JAG1 point mutation. Also called: HEPATIC DUCTULAR HYPOPLASIA, SYNDROMATIC; JAG1-Related Alagille Syndrome; Alagille Syndrome 1. Identifiers: Orphanet 261619, Orphanet 52, MedGen C1956125, MONDO:0016862, OMIM 118450.

Submissions (2):

Baylor Genetics
Classification: Pathogenic for Alagille syndrome due to a JAG1 point mutation. Last evaluated: 2023-07-10. Review status: criteria provided, single submitter. Criteria: ACMG Guidelines, 2015. Collection method: clinical testing. Allele origin: unknown.

Gilbert/Spinner Lab, Children's Hospital of Philadelphia
No classification provided (evidence only). Condition: Alagille syndrome. Review status: no classification provided. Collection method: research. Allele origin: not applicable. Functional consequence: functionally_abnormal. Not counted in ClinVar's aggregate classification.
ClinVar note: "not provided" was previously submitted as the classification for the variant. However, the classification appeared to be based only on an observation of functional data so it was converted to no classification on 2025-07-30.

NM_000214.3(JAG1):c.359T>C (p.Ile120Thr)

Gene: JAG1 (jagged canonical Notch ligand 1; minus strand). Cytogenetic location: 20p12.2.
Variant type: single nucleotide variant.
Coding change: c.359T>C on transcript NM_000214.3 (MANE Select); coding-DNA position 359, T replaced by C.
Protein change: p.Ile120Thr; replaces isoleucine 120 with threonine.
Molecular consequence: missense variant.
Genome position (GRCh38, 1-based): chr20:10,672,729, A>G on the plus strand (T>C on the coding strand, the complement: JAG1 is on the minus strand). VCF-style: chr20-10672729-A-G. GRCh37 (hg19) VCF-style: chr20-10653377-A-G.
Other names: short protein forms I120T.
Identifiers: ClinVar variation 2582658 (VCV002582658.3), dbSNP rs2514537675, ClinGen allele CA408242454.